The following is an entry in ClinVar:

ClinVar aggregate classification (germline): Likely benign (1 of 4 stars; one submission).

Conditions:
VPS13B-related disorder. Also called: VPS13B-related condition.

Submission:

PreventionGenetics, part of Exact Sciences
Classification: Likely benign for VPS13B-related condition. Last evaluated: 2026-07-08. Review status: criteria provided, single submitter. Criteria: ACMG Guidelines, 2015. Collection method: clinical testing. Allele origin: germline.
Comment: This variant is classified as likely benign based on ACMG/AMP sequence variant interpretation guidelines (Richards et al. 2015 PMID: 25741868, with internal and published modifications).

NM_152564.5(VPS13B):c.1350T>A (p.Val450=)

Gene: VPS13B (vacuolar protein sorting 13 homolog B; plus strand). Cytogenetic location: 8q22.2.
Variant type: single nucleotide variant.
Coding change: c.1350T>A on transcript NM_152564.5 (MANE Select); coding-DNA position 1350, T replaced by A.
Protein change: p.Val450=; no amino-acid change (valine 450 retained).
Molecular consequence: synonymous variant.
Genome position (GRCh38, 1-based): chr8:99,135,062, T>A. VCF-style: chr8-99135062-T-A. GRCh37 (hg19) VCF-style: chr8-100147290-T-A.
Other names: c.1350T>A, p.Val450= (NM_015243.3, NM_017890.5).
Identifiers: ClinVar variation 4982017 (VCV004982017.1).